The following is an entry in ClinVar:

NM_019842.4(KCNQ5):c.1384C>T (p.Gln462Ter)

Gene: KCNQ5 (potassium voltage-gated channel subfamily Q member 5; plus strand). Cytogenetic location: 6q13.
Variant type: single nucleotide variant.
Coding change: c.1384C>T on transcript NM_019842.4 (MANE Select); coding-DNA position 1384, C replaced by T.
Protein change: p.Gln462Ter; replaces glutamine 462 with a stop codon.
Molecular consequence: nonsense. On other transcripts: intron variant (1).
Genome position (GRCh38, 1-based): chr6:73,133,557, C>T. VCF-style: chr6-73133557-C-T. GRCh37 (hg19) VCF-style: chr6-73843280-C-T.
Other names: c.1357C>T, p.Gln453Ter (NM_001160130.2); c.1414C>T, p.Gln472Ter (NM_001160132.2); c.1441C>T, p.Gln481Ter (NM_001160133.2); c.1247+9045C>T (NM_001160134.2); short protein forms Q453*, Q462*, Q472*, Q481*.
Identifiers: ClinVar variation 4072502 (VCV004072502.1).
Genomic context (GRCh38, chr6:73,133,557, plus strand): 5'-GTAGGTGACAGGAGGTCCCCAAGCACCGACATCACAGCCGAGGGCAGTCCCACCAAAGTG[C>T]AGAAGAGCTGGAGCTTCAACGACCGAACCCGCTTCCGGCCCTCGCTGCGCCTCAAAAGTT-3'

ClinVar aggregate classification (germline): Uncertain significance (1 of 4 stars; one submission).

Submission:

GeneDx
Classification: Uncertain significance. Last evaluated: 2025-01-08. Review status: criteria provided, single submitter. Criteria: GeneDx Variant Classification Process June 2021. Collection method: clinical testing. Allele origin: germline. Affected: yes.
Comment: Nonsense variant predicted to result in protein truncation or nonsense mediated decay in a gene or region of a gene for which loss of function is not a well-established mechanism of disease; Not observed at significant frequency in large population cohorts (gnomAD); Has not been previously published as pathogenic or benign to our knowledge